The following is an entry in ClinVar:

NM_018896.5(CACNA1G):c.6240G>T (p.Leu2080Phe)

Gene: CACNA1G (calcium voltage-gated channel subunit alpha1 G; plus strand). Cytogenetic location: 17q21.33.
Variant type: single nucleotide variant.
Coding change: c.6240G>T on transcript NM_018896.5 (MANE Select); coding-DNA position 6240, G replaced by T.
Protein change: p.Leu2080Phe; replaces leucine 2080 with phenylalanine.
Molecular consequence: missense variant. On other transcripts: non-coding transcript variant (5).
Genome position (GRCh38, 1-based): chr17:50,624,370, G>T. VCF-style: chr17-50624370-G-T. GRCh37 (hg19) VCF-style: chr17-48701731-G-T.
Other names: c.6051G>T, p.Leu2017Phe (NM_001256324.2); c.5982G>T, p.Leu1994Phe (NM_001256325.2); c.5970G>T, p.Leu1990Phe (NM_001256326.2); c.5940G>T, p.Leu1980Phe (NM_001256327.2); c.5886G>T, p.Leu1962Phe (NM_001256328.2); c.5859G>T, p.Leu1953Phe (NM_001256329.2, NM_198376.3, NM_198387.3); c.5826G>T, p.Leu1942Phe (NM_001256330.2); c.5805G>T, p.Leu1935Phe (NM_001256331.2); and 15 more; short protein forms L1930F, L1935F, L1942F, L1946F, L1949F, L1951F, L1953F, L1960F.
Identifiers: ClinVar variation 2663538 (VCV002663538.1), dbSNP rs1260604410, ClinGen allele CA400269821.
Genomic context (GRCh38, chr17:50,624,370, plus strand): 5'-CCAGCTCCATTCTCTCCCCCCACCCCTCCCCCGCTTCCCTCCCTCCACAGGCTCCGTCTT[G>T]TCCGTTCACTCCCAGCCAGCAGATACCAGCTACATCCTGCAGCTTCCCAAAGATGCACCT-3'
Protein context (NP_061496.2, residues 2070-2090): GLPKAQSGSV[Leu2080Phe]SVHSQPADTS

ClinVar aggregate classification (germline): Uncertain significance (1 of 4 stars; one submission).

gnomAD v4.1: 22 of 1,328,720 alleles (0.0017%); highest among the groups gnomAD compares: Non-Finnish European, 0.0022%; no homozygotes.

Submission:

GeneDx
Classification: Uncertain significance. Last evaluated: 2023-04-21. Review status: criteria provided, single submitter. Criteria: GeneDx Variant Classification Process June 2021. Collection method: clinical testing. Allele origin: germline. Affected: yes.
Comment: Not observed at significant frequency in large population cohorts (gnomAD); In silico analysis supports that this missense variant does not alter protein structure/function; In silico analysis suggests this variant may impact gene splicing. In the absence of RNA/functional studies, the actual effect of this sequence change is unknown.; Has not been previously published as pathogenic or benign to our knowledge